The following is an entry in ClinVar:

NM_000199.5(SGSH):c.184A>G (p.Asn62Asp)

Gene: SGSH (N-sulfoglucosamine sulfohydrolase; minus strand). Cytogenetic location: 17q25.3.
Variant type: single nucleotide variant.
Coding change: c.184A>G on transcript NM_000199.5 (MANE Select); coding-DNA position 184, A replaced by G.
Protein change: p.Asn62Asp; replaces asparagine 62 with aspartic acid.
Molecular consequence: missense variant. On other transcripts: non-coding transcript variant (1).
Genome position (GRCh38, 1-based): chr17:80,217,097, T>C on the plus strand (A>G on the coding strand, the complement: SGSH is on the minus strand). VCF-style: chr17-80217097-T-C. GRCh37 (hg19) VCF-style: chr17-78190896-T-C.
Other names: c.184A>G, p.Asn62Asp (NM_001352921.3, NM_001352922.2); short protein forms N62D.
Identifiers: ClinVar variation 2895625 (VCV002895625.3), dbSNP rs2510909581, ClinGen allele CA401364318.

ClinVar aggregate classification (germline): Uncertain significance (1 of 4 stars; one submission).

Conditions:
Mucopolysaccharidosis, MPS-III-A (MPS3A). Also called: Mucopolysaccharidosis type IIIA (Sanfilippo A); Mucopolysaccharidosis, type IIIA; mucopolysaccharidosis type 3A; MPS IIIA (Sanfilippo Syndrome Type A); HEPARAN SULFATE SULFATASE DEFICIENCY; SANFILIPPO SYNDROME A. Identifiers: Orphanet 581, Orphanet 79269, MedGen C0086647, MONDO:0009655, OMIM 252900.

Submission:

Labcorp Genetics (formerly Invitae), Labcorp
Classification: Uncertain significance for Mucopolysaccharidosis, MPS-III-A. Last evaluated: 2023-12-14. Review status: criteria provided, single submitter. Criteria: Invitae Variant Classification Sherloc (09022015). Collection method: clinical testing. Allele origin: germline.
Comment: This sequence change replaces asparagine, which is neutral and polar, with aspartic acid, which is acidic and polar, at codon 62 of the SGSH protein (p.Asn62Asp). This variant is not present in population databases (gnomAD no frequency). This variant has not been reported in the literature in individuals affected with SGSH-related conditions. Advanced modeling of protein sequence and biophysical properties (such as structural, functional, and spatial information, amino acid conservation, physicochemical variation, residue mobility, and thermodynamic stability) has been performed at Invitae for this missense variant, however the output from this modeling did not meet the statistical confidence thresholds required to predict the impact of this variant on SGSH protein function. In summary, the available evidence is currently insufficient to determine the role of this variant in disease. Therefore, it has been classified as a Variant of Uncertain Significance.